The following is an entry in ClinVar:

ClinVar aggregate classification (germline): Uncertain significance (1 of 4 stars; one submission).

Conditions:
Emery-Dreifuss muscular dystrophy 4, autosomal dominant (EDMD4). Also called: EMERY-DREIFUSS MUSCULAR DYSTROPHY 4 WITH VARIABLE FEATURES. Identifiers: Orphanet 261, MedGen C2751807, MONDO:0013071, OMIM 612998.

Submission:

Neuberg Centre For Genomic Medicine, NCGM
Classification: Uncertain significance for Emery-Dreifuss muscular dystrophy 4, autosomal dominant. Last evaluated: 2023-06-22. Review status: criteria provided, single submitter. Criteria: ACMG Guidelines, 2015. Collection method: clinical testing. Allele origin: germline. Inheritance: Autosomal dominant inheritance. Affected: yes.
Comment: The missense variant c.1747G>T (p.Val583Leu) in the SYNE1 gene has not been reported previously as a pathogenic variant nor as a benign variant, to our knowledge. This variant is absent in the gnomAD Exomes. The amino acid Val at position 583 is changed to a Leu changing protein sequence and it might alter its composition and physico-chemical properties. Multiple lines of computational evidence (Polyphen - Damaging, SIFT - Damaging and MutationTaster - Disease causing) predict a damaging effect on protein structure and function for this variant. The amino acid change p.Val583Leu in SYNE1 is predicted as conserved by GERP++ and PhyloP across 100 vertebrates. For these reasons, this variant has been classified as Uncertain Significance.

NM_182961.4(SYNE1):c.1747G>T (p.Val583Leu)

Gene: SYNE1 (spectrin repeat containing nuclear envelope protein 1; minus strand). Cytogenetic location: 6q25.2.
Variant type: single nucleotide variant.
Coding change: c.1747G>T on transcript NM_182961.4 (MANE Select); coding-DNA position 1747, G replaced by T.
Protein change: p.Val583Leu; replaces valine 583 with leucine.
Molecular consequence: missense variant.
Genome position (GRCh38, 1-based): chr6:152,465,443, C>A on the plus strand (G>T on the coding strand, the complement: SYNE1 is on the minus strand). VCF-style: chr6-152465443-C-A. GRCh37 (hg19) VCF-style: chr6-152786578-C-A.
Other names: c.1768G>T, p.Val590Leu (NM_033071.5); short protein forms V583L, V590L.
Identifiers: ClinVar variation 3377736 (VCV003377736.1).
Genomic context (GRCh38, chr6:152,465,443, plus strand): 5'-TCCTCACTTCTACTGAGAGATTCCTCCACTGAGCGGTGGTTTCATTCATGAATTTCATCA[C>A]ATTCTCAGCTTCTTCCACTGAAACAGATAAAACCAATTATAACCCTTATCTCATATTTTA-3'
Protein context (NP_892006.3, residues 573-593): ADGSVEEAEN[Val583Leu]MKFMNETTAQ